The following is an entry in ClinVar:

NM_003332.4(TYROBP):c.93C>T (p.Ser31=)

Gene: TYROBP (transmembrane immune signaling adaptor TYROBP; minus strand). Cytogenetic location: 19q13.12.
Variant type: single nucleotide variant.
Coding change: c.93C>T on transcript NM_003332.4 (MANE Select); coding-DNA position 93, C replaced by T.
Protein change: p.Ser31=; no amino-acid change (serine 31 retained).
Molecular consequence: synonymous variant. On other transcripts: intron variant (2).
Genome position (GRCh38, 1-based): chr19:35,907,731, G>A on the plus strand (C>T on the coding strand, the complement: TYROBP is on the minus strand). VCF-style: chr19-35907731-G-A. GRCh37 (hg19) VCF-style: chr19-36398633-G-A.
Other names: c.93C>T, p.Ser31= (NM_198125.3); c.62-151C>T (NM_001173515.2, NM_001173514.2).
Identifiers: ClinVar variation 4528226 (VCV004528226.1).

ClinVar aggregate classification (germline): Uncertain significance (1 of 4 stars; one submission).

gnomAD v4.1: 18 of 1,613,984 alleles (0.0011%); highest among the groups gnomAD compares: African/African-American, 0.0053%; no homozygotes.

Submission:

GeneDx
Classification: Uncertain significance. Last evaluated: 2025-05-09. Review status: criteria provided, single submitter. Criteria: GeneDx Variant Classification Process June 2021. Collection method: clinical testing. Allele origin: germline. Affected: yes.
Comment: Not observed at significant frequency in large population cohorts (gnomAD); Has not been previously published as pathogenic or benign to our knowledge; In silico analysis is inconclusive as to whether the variant alters gene splicing. In the absence of RNA/functional studies, the actual effect of this sequence change is unknown.